The following is an entry in ClinVar:

NM_000075.4(CDK4):c.128G>C (p.Gly43Ala)

Genes: CDK4 (cyclin dependent kinase 4; minus strand), LOC130008148 (ATAC-STARR-seq lymphoblastoid silent region 4588; plus strand). Cytogenetic location: 12q14.1.
Variant type: single nucleotide variant.
Coding change: c.128G>C on transcript NM_000075.4 (MANE Select); coding-DNA position 128, G replaced by C.
Protein change: p.Gly43Ala; replaces glycine 43 with alanine.
Molecular consequence: missense variant.
Genome position (GRCh38, 1-based): chr12:57,751,590, C>G on the plus strand (G>C on the coding strand, the complement: CDK4 is on the minus strand). VCF-style: chr12-57751590-C-G. GRCh37 (hg19) VCF-style: chr12-58145373-C-G.
Other names: short protein forms G43A.
Identifiers: ClinVar variation 2851953 (VCV002851953.3), dbSNP rs1955238089, ClinGen allele CA385548766.
Genomic context (GRCh38, chr12:57,751,590, plus strand): 5'-AGTCGCCTCAGTAAAGCCACCTCACGAACTGTGCTGATGGGAAGGCCTCCTCCACCTCCT[C>G]CTCCATTGGGGACTCTCACACTCTTGAGGGCCACAAAGTGGCCACTGTGGGGATCACGGG-3'
Protein context (NP_000066.1, residues 33-53): ALKSVRVPNG[Gly43Ala]GGGGGLPIST

ClinVar aggregate classification (germline): Uncertain significance (1 of 4 stars; one submission).

Conditions:
Familial melanoma. Also called: Hereditary melanoma; Hereditary cutaneous melanoma. Identifiers: Orphanet 618, MedGen C1512419, MONDO:0018961.

Submission:

Labcorp Genetics (formerly Invitae), Labcorp
Classification: Uncertain significance for Familial melanoma. Last evaluated: 2023-04-04. Review status: criteria provided, single submitter. Criteria: Invitae Variant Classification Sherloc (09022015). Collection method: clinical testing. Allele origin: germline.
Comment: This sequence change replaces glycine, which is neutral and non-polar, with alanine, which is neutral and non-polar, at codon 43 of the CDK4 protein (p.Gly43Ala). This variant is not present in population databases (gnomAD no frequency). This variant has not been reported in the literature in individuals affected with CDK4-related conditions. Advanced modeling of protein sequence and biophysical properties (such as structural, functional, and spatial information, amino acid conservation, physicochemical variation, residue mobility, and thermodynamic stability) performed at Invitae indicates that this missense variant is not expected to disrupt CDK4 protein function. In summary, the available evidence is currently insufficient to determine the role of this variant in disease. Therefore, it has been classified as a Variant of Uncertain Significance.